The following is an entry in ClinVar:

NM_173689.7(CRB2):c.141C>T (p.Cys47=)

Gene: CRB2 (crumbs cell polarity complex component 2; plus strand). Cytogenetic location: 9q33.3.
Variant type: single nucleotide variant.
Coding change: c.141C>T on transcript NM_173689.7 (MANE Select); coding-DNA position 141, C replaced by T.
Protein change: p.Cys47=; no amino-acid change (cysteine 47 retained).
Molecular consequence: synonymous variant.
Genome position (GRCh38, 1-based): chr9:123,362,911, C>T. VCF-style: chr9-123362911-C-T. GRCh37 (hg19) VCF-style: chr9-126125190-C-T.
Identifiers: ClinVar variation 3040927 (VCV003040927.4), dbSNP rs138658467, ClinGen allele CA5231560.

ClinVar aggregate classification (germline): Likely benign. Review status: criteria provided, single submitter (1 of 4 stars). 2 submissions from 2 submitters: Likely benign (1). 1 of the submissions does not count toward it. Last evaluated 2025-10-23.

Conditions:
CRB2-related disorder. Also called: CRB2-related condition; CRB2-related disorders.

Allele frequency attached by ClinVar (database versions not stated): TOPMed 0.00015; ESP Exome Variant Server 0.00015.

Submissions (2):

Labcorp Genetics (formerly Invitae), Labcorp
Classification: Likely benign. Last evaluated: 2025-10-23. Review status: criteria provided, single submitter. Criteria: Invitae Variant Classification Sherloc (09022015). Collection method: clinical testing. Allele origin: germline.

PreventionGenetics, part of Exact Sciences
Classification: Likely benign for CRB2-related condition. Last evaluated: 2019-09-19. Review status: no assertion criteria provided. Collection method: clinical testing. Allele origin: germline. Not counted in ClinVar's aggregate classification.
Comment: This variant is classified as likely benign based on ACMG/AMP sequence variant interpretation guidelines (Richards et al. 2015 PMID: 25741868, with internal and published modifications).